The following is an entry in ClinVar:

ClinVar aggregate classification (germline): Pathogenic (1 of 4 stars; one submission).

Conditions:
Hereditary cancer-predisposing syndrome. Also called: Tumor predisposition; Hereditary neoplastic syndrome; Hereditary Cancer Syndrome; Neoplastic Syndromes, Hereditary. Identifiers: Orphanet 140162, MedGen C0027672, MeSH D009386, MONDO:0015356.

Submission:

Ambry Genetics
Classification: Pathogenic for Hereditary cancer-predisposing syndrome. Last evaluated: 2025-03-19. Review status: criteria provided, single submitter. Criteria: Ambry Variant Classification Scheme 2023. Collection method: clinical testing. Allele origin: germline.
Comment: The c.3311_3314delTTCT pathogenic mutation, located in coding exon 20 of the PTCH1 gene, results from a deletion of 4 nucleotides at nucleotide positions 3311 to 3314, causing a translational frameshift with a predicted alternate stop codon (p.F1104*). This variant is considered to be rare based on population cohorts in the Genome Aggregation Database (gnomAD). This alteration is expected to result in loss of function by premature protein truncation or nonsense-mediated mRNA decay. As such, this alteration is interpreted as a disease-causing mutation.

NM_000264.5(PTCH1):c.3311_3314del (p.Ala1103_Phe1104insTer)

Gene: PTCH1 (patched 1; minus strand). Cytogenetic location: 9q22.32.
Variant type: Deletion.
Coding change: c.3311_3314del on transcript NM_000264.5 (MANE Select); coding-DNA positions 3311 to 3314, 4 bases deleted (TTCT; older notation c.3311_3314delTTCT).
Protein change: p.Ala1103_Phe1104insTer.
Molecular consequence: nonsense. On other transcripts: frameshift variant (1), non-coding transcript variant (1).
Genome position (GRCh38, 1-based): chr9:95,453,613-95,453,616, AGAA deleted on the plus strand (TTCT on the coding strand, the reverse complement: PTCH1 is on the minus strand); deleting any 4 consecutive bases within chr9:95,453,613-95,453,618 gives the same sequence; the c. name uses the placement nearest the transcript's 3' end. VCF-style (leftmost placement, unchanged base first): chr9-95453612-CAGAA-C. GRCh37 (hg19) VCF-style: chr9-98215894-CAGAA-C.
Other names: c.3311_3314delTTCT (NM_000264.3); c.3113_3116del, p.Ala1037_Phe1038insTer (NM_001083602.3); c.3308_3311del, p.Ala1102_Phe1103insTer (NM_001083603.3); c.2858_2861del, p.Ala952_Phe953insTer (NM_001083604.3, NM_001083605.3, NM_001083606.3 and 1 more transcripts); c.3155_3158del, p.Ala1051_Phe1052insTer (NM_001354918.2).
Identifiers: ClinVar variation 3939919 (VCV003939919.1).